The following is an entry in ClinVar:

NM_172238.4(TFAP2D):c.798A>G (p.Arg266=)

Gene: TFAP2D (transcription factor AP-2 delta; plus strand). Cytogenetic location: 6p12.3.
Variant type: single nucleotide variant.
Coding change: c.798A>G on transcript NM_172238.4 (MANE Select); coding-DNA position 798, A replaced by G.
Protein change: p.Arg266=; no amino-acid change (arginine 266 retained).
Molecular consequence: synonymous variant.
Genome position (GRCh38, 1-based): chr6:50,729,227, A>G. VCF-style: chr6-50729227-A-G. GRCh37 (hg19) VCF-style: chr6-50696940-A-G.
Identifiers: ClinVar variation 782104 (VCV000782104.17), dbSNP rs79756578, ClinGen allele CA3850077.
Genomic context (GRCh38, chr6:50,729,227, plus strand): 5'-ACCTAGTTTTTGTTTGTTTTTGTACAGAGCAAAATCAAAGAATGGGGGCCGCTGCCTGAG[A>G]GAGAAATTGGATAGGCTTGGCTTAAACTTACCAGCAGGAAGACGGAAAGCAGCTAATGTC-3'
Protein context (NP_758438.2, residues 256-276): AKSKNGGRCL[Arg266=]EKLDRLGLNL

ClinVar aggregate classification (germline): Benign/Likely benign. Review status: criteria provided, multiple submitters, no conflicts (2 of 4 stars). 2 submissions from 2 submitters: Benign (1); Likely benign (1). Last evaluated 2024-10-01.

Allele frequency attached by ClinVar (database versions not stated): gnomAD 0.00430; TOPMed 0.00449; ExAC 0.00480; gnomAD exomes 0.00495 and 0.00803; ESP Exome Variant Server 0.00546; 1000 Genomes Project 0.00300; 1000 Genomes Project 30x 0.00328.
gnomAD v4.1: 12,354 of 1,613,980 alleles (0.77%); highest among the groups gnomAD compares: Non-Finnish European, 0.96%; 67 homozygotes.

Submissions (2):

CeGaT Center for Human Genetics Tuebingen
Classification: Likely benign. Last evaluated: 2024-10-01. Review status: criteria provided, single submitter. Criteria: CeGaT Center For Human Genetics Tuebingen Variant Classification Criteria Version 2. Collection method: clinical testing. Allele origin: germline. Affected: yes. Observed: 1 variant allele.
Comment: TFAP2D: BP4, BP7, BS2

Labcorp Genetics (formerly Invitae), Labcorp
Classification: Benign. Last evaluated: 2018-04-17. Review status: criteria provided, single submitter. Criteria: Invitae Variant Classification Sherloc (09022015). Collection method: clinical testing. Allele origin: germline.